The following is an entry in ClinVar:

NM_020812.4(DOCK6):c.444C>G (p.Gly148=)

Gene: DOCK6 (dedicator of cytokinesis 6; minus strand). Cytogenetic location: 19p13.2.
Variant type: single nucleotide variant.
Coding change: c.444C>G on transcript NM_020812.4 (MANE Select); coding-DNA position 444, C replaced by G.
Protein change: p.Gly148=; no amino-acid change (glycine 148 retained).
Molecular consequence: synonymous variant.
Genome position (GRCh38, 1-based): chr19:11,252,182, G>C on the plus strand (C>G on the coding strand, the complement: DOCK6 is on the minus strand). VCF-style: chr19-11252182-G-C. GRCh37 (hg19) VCF-style: chr19-11362858-G-C.
Other names: c.444C>G, p.Gly148= (NM_001367830.1).
Identifiers: ClinVar variation 2168617 (VCV002168617.22), dbSNP rs576291183, ClinGen allele CA9208491.
Genomic context (GRCh38, chr19:11,252,182, plus strand): 5'-GTCCTCAGGGCCGGACCTCTCGTCTCCAGAAGCATCCTGCTCAAAGACCTGGCGGGGGAG[G>C]CCCTTCTGTCGCTCCCGCTGTGTGTCTGTGGTGACGGGGCTGTATGCTGCACTCAGGTAC-3'
Protein context (NP_065863.2, residues 138-158): TTDTQRERQK[Gly148=]LPRQVFEQDA

ClinVar aggregate classification (germline): Likely benign. Review status: criteria provided, multiple submitters, no conflicts (2 of 4 stars). 3 submissions from 3 submitters: Likely benign (3). Last evaluated 2025-09-22.

Allele frequency attached by ClinVar (database versions not stated): 1000 Genomes Project 0.00040; 1000 Genomes Project 30x 0.00047.
gnomAD v4.1: 102 of 1,583,670 alleles (0.0064%); highest among the groups gnomAD compares: Middle Eastern, 0.12%; no homozygotes.

Submissions (3):

Labcorp Genetics (formerly Invitae), Labcorp
Classification: Likely benign. Last evaluated: 2025-09-22. Review status: criteria provided, single submitter. Criteria: Invitae Variant Classification Sherloc (09022015). Collection method: clinical testing. Allele origin: germline.

Blueprint Genetics
Classification: Likely benign. Last evaluated: 2024-09-27. Review status: criteria provided, single submitter. Criteria: ACMG Guidelines, 2015. Collection method: clinical testing. Allele origin: germline.

CeGaT Center for Human Genetics Tuebingen
Classification: Likely benign. Last evaluated: 2024-09-01. Review status: criteria provided, single submitter. Criteria: CeGaT Center For Human Genetics Tuebingen Variant Classification Criteria Version 2. Collection method: clinical testing. Allele origin: germline. Affected: yes. Observed: 1 variant allele.
Comment: DOCK6: BP4, BP7